The following is an entry in ClinVar:

ClinVar aggregate classification (germline): Benign/Likely benign. Review status: criteria provided, multiple submitters, no conflicts (2 of 4 stars). 8 submissions from 8 submitters: Benign (1); Likely benign (7). Last evaluated 2026-01-11.

Conditions:
Classic or attenuated familial adenomatous polyposis. Identifiers: MedGen CN372698, MONDO:0021057.
Hereditary cancer-predisposing syndrome. Also called: Hereditary neoplastic syndrome; Tumor predisposition; Hereditary Cancer Syndrome; Neoplastic Syndromes, Hereditary. Identifiers: Orphanet 140162, MedGen C0027672, MeSH D009386, MONDO:0015356.
Familial adenomatous polyposis 1 (FAP1). Also called: FAMILIAL ADENOMATOUS POLYPOSIS 1, ATTENUATED; POLYPOSIS, ADENOMATOUS INTESTINAL. Identifiers: MedGen C2713442, MONDO:0021056, OMIM 175100. Disease mechanism: loss of function.

Allele frequency attached by ClinVar (database versions not stated): TOPMed 0.00002.
gnomAD v4.1: 5 of 1,613,650 alleles (0.00031%); highest among the groups gnomAD compares: South Asian, 0.0011%; no homozygotes.

Submissions (8):

Labcorp Genetics (formerly Invitae), Labcorp
Classification: Likely benign for Familial adenomatous polyposis 1. Last evaluated: 2026-01-11. Review status: criteria provided, single submitter. Criteria: Invitae Variant Classification Sherloc (09022015). Collection method: clinical testing. Allele origin: germline.

Center for Genomic Medicine, Rigshospitalet, Copenhagen University Hospital
Classification: Likely benign. Last evaluated: 2025-03-04. Review status: criteria provided, single submitter. Criteria: ACMG Guidelines, 2015. Collection method: clinical testing. Allele origin: germline.

Myriad Genetics, Inc.
Classification: Benign for Familial adenomatous polyposis 1. Last evaluated: 2024-04-12. Review status: criteria provided, single submitter. Criteria: Myriad Autosomal Dominant, Autosomal Recessive and X-Linked Classification Criteria (2023). Collection method: clinical testing. Allele origin: unknown.
Comment: This variant is considered benign. This variant is a silent/synonymous amino acid change and it is not expected to impact splicing.

All of Us Research Program, National Institutes of Health
Classification: Likely benign for Classic or attenuated familial adenomatous polyposis. Last evaluated: 2023-11-30. Review status: criteria provided, single submitter. Criteria: ACMG Guidelines, 2015. Collection method: clinical testing. Allele origin: germline. Inheritance: Autosomal dominant inheritance. Observed: 1 variant allele, 1 heterozygote.
Comment: This study involves interpretation of variants in research participants for the purpose of population health screening. Participant phenotype was not available at the time of variant classification. Additional details can be found in publication PMID: 35346344, PMCID: PMC8962531

Women's Health and Genetics/Laboratory Corporation of America, LabCorp
Classification: Likely benign. Last evaluated: 2023-03-11. Review status: criteria provided, single submitter. Criteria: LabCorp Variant Classification Summary - May 2015. Collection method: clinical testing. Allele origin: germline.

GeneDx
Classification: Likely benign. Last evaluated: 2018-08-01. Review status: criteria provided, single submitter. Criteria: GeneDx Variant Classification Process June 2021. Collection method: clinical testing. Allele origin: germline. Affected: yes.

Ambry Genetics
Classification: Likely benign for Hereditary cancer-predisposing syndrome. Last evaluated: 2016-04-11. Review status: criteria provided, single submitter. Criteria: Ambry Variant Classification Scheme 2023. Collection method: clinical testing. Allele origin: germline.

Color Diagnostics, LLC DBA Color Health
Classification: Likely benign for Hereditary cancer-predisposing syndrome. Last evaluated: 2016-03-25. Review status: criteria provided, single submitter. Criteria: ACMG Guidelines, 2015. Collection method: clinical testing. Allele origin: germline.

NM_000038.6(APC):c.8043G>A (p.Pro2681=)

Gene: APC (APC regulator of Wnt signaling pathway; plus strand). Cytogenetic location: 5q22.2.
Variant type: single nucleotide variant.
Coding change: c.8043G>A on transcript NM_000038.6 (MANE Select); coding-DNA position 8043, G replaced by A.
Protein change: p.Pro2681=; no amino-acid change (proline 2681 retained).
Molecular consequence: synonymous variant.
Genome position (GRCh38, 1-based): chr5:112,843,637, G>A. VCF-style: chr5-112843637-G-A. GRCh37 (hg19) VCF-style: chr5-112179334-G-A.
Other names: c.7770G>A, p.Pro2590= (NM_001354902.2); c.7563G>A, p.Pro2521= (NM_001354905.2); c.7194G>A, p.Pro2398= (NM_001354906.2); c.7740G>A, p.Pro2580= (NM_001354903.2); c.7665G>A, p.Pro2555= (NM_001354904.2); c.8043G>A, p.Pro2681= (NM_001127510.3, NM_001354895.2); c.7989G>A, p.Pro2663= (NM_001127511.3); c.8097G>A, p.Pro2699= (NM_001354896.2); and 5 more.
Identifiers: ClinVar variation 220017 (VCV000220017.60), dbSNP rs149347068, ClinGen allele CA049766.